The following is an entry in ClinVar:

ClinVar aggregate classification (germline): Uncertain significance. Review status: criteria provided, multiple submitters, no conflicts (2 of 4 stars). 2 submissions from 2 submitters: Uncertain significance (2). Last evaluated 2023-03-10.

Conditions:
Severe X-linked myotubular myopathy (CNMX). Also called: MYOTUBULAR MYOPATHY 1; Myotubular myopathy, X-linked; X-linked centronuclear myopathy. Identifiers: Orphanet 596, MedGen C0410203, MONDO:0010683, OMIM 310400.

Allele frequency attached by ClinVar (database versions not stated): gnomAD exomes below 0.00001 and 0.00001; TOPMed below 0.00001; ExAC 0.00001.
gnomAD v4.1: 1 of 1,207,448 alleles (0.000083%); highest among the groups gnomAD compares: Admixed American, 0.0022%; no homozygotes.

Submissions (2):

Labcorp Genetics (formerly Invitae), Labcorp
Classification: Uncertain significance for Severe X-linked myotubular myopathy. Last evaluated: 2023-03-10. Review status: criteria provided, single submitter. Criteria: Invitae Variant Classification Sherloc (09022015). Collection method: clinical testing. Allele origin: germline.
Comment: ClinVar contains an entry for this variant (Variation ID: 1677415). This variant has not been reported in the literature in individuals affected with MTM1-related conditions. This variant is present in population databases (rs782462553, gnomAD 0.004%). This sequence change replaces arginine, which is basic and polar, with glutamine, which is neutral and polar, at codon 318 of the MTM1 protein (p.Arg318Gln). In summary, the available evidence is currently insufficient to determine the role of this variant in disease. Therefore, it has been classified as a Variant of Uncertain Significance. Algorithms developed to predict the effect of sequence changes on RNA splicing suggest that this variant may disrupt the consensus splice site. Advanced modeling of protein sequence and biophysical properties (such as structural, functional, and spatial information, amino acid conservation, physicochemical variation, residue mobility, and thermodynamic stability) performed at Invitae indicates that this missense variant is expected to disrupt MTM1 protein function.

AiLife Diagnostics
Classification: Uncertain significance. Last evaluated: 2021-08-06. Review status: criteria provided, single submitter. Criteria: ACMG Guidelines, 2015. Collection method: clinical testing. Allele origin: de novo. Affected: yes. Observed: 1 variant allele.

NM_000252.3(MTM1):c.953G>A (p.Arg318Gln)

Gene: MTM1 (myotubularin 1; plus strand). Cytogenetic location: Xq28.
Variant type: single nucleotide variant.
Coding change: c.953G>A on transcript NM_000252.3 (MANE Select); coding-DNA position 953, G replaced by A.
Protein change: p.Arg318Gln; replaces arginine 318 with glutamine.
Molecular consequence: missense variant.
Genome position (GRCh38, 1-based): chrX:150,649,801, G>A. VCF-style: chrX-150649801-G-A. GRCh37 (hg19) VCF-style: chrX-149818274-G-A.
Other names: c.953G>A, p.Arg318Gln (NM_001376906.1, NM_001376908.1); c.842G>A, p.Arg281Gln (NM_001376907.1); short protein forms R281Q, R318Q.
Identifiers: ClinVar variation 1677415 (VCV001677415.4), dbSNP rs782462553, ClinGen allele CA10539191.
Genomic context (GRCh38, chrX:150,649,801, plus strand): 5'-ATGATGCATATCATAACGCCGAACTTTTCTTCTTAGACATTCATAATATTCATGTTATGC[G>A]GGAATCTTTAAAAAAAGTGAAGGACATTGTTTATCCTAATGTAGAAGAATCTCATTGGTT-3'
Protein context (NP_000243.1, residues 308-328): FLDIHNIHVM[Arg318Gln]ESLKKVKDIV